The following is an entry in ClinVar:

NM_182914.3(SYNE2):c.12512G>A (p.Ser4171Asn)

Gene: SYNE2 (spectrin repeat containing nuclear envelope protein 2; plus strand). Cytogenetic location: 14q23.2.
Variant type: single nucleotide variant.
Coding change: c.12512G>A on transcript NM_182914.3 (MANE Select); coding-DNA position 12512, G replaced by A.
Protein change: p.Ser4171Asn; replaces serine 4171 with asparagine.
Molecular consequence: missense variant.
Genome position (GRCh38, 1-based): chr14:64,107,510, G>A. VCF-style: chr14-64107510-G-A. GRCh37 (hg19) VCF-style: chr14-64574228-G-A.
Other names: c.12512G>A, p.Ser4171Asn (NM_015180.6); short protein forms S4171N.
Identifiers: ClinVar variation 950648 (VCV000950648.10), dbSNP rs758662885, ClinGen allele CA261831544.
Genomic context (GRCh38, chr14:64,107,510, plus strand): 5'-GGGCAGGACCCTTTCTGGAGCTCTGATTCTTTTCTTTACAGGAAGCATATGGGAAAATAA[G>A]CACCTCTGATAATTCCATGGCACAAATCCTCACACCAGACTCACTAAACACTGAGCAAGG-3'
Protein context (NP_878918.2, residues 4161-4181): TIVQEAYGKI[Ser4171Asn]TSDNSMAQIL

ClinVar aggregate classification (germline): Uncertain significance. Review status: criteria provided, multiple submitters, no conflicts (2 of 4 stars). 2 submissions from 2 submitters: Uncertain significance (2). Last evaluated 2025-05-06.

Conditions:
Emery-Dreifuss muscular dystrophy 5, autosomal dominant (EDMD5). Also called: EMERY-DREIFUSS MUSCULAR DYSTROPHY 5. Identifiers: Orphanet 261, MedGen C2751805, MONDO:0013072, OMIM 612999.

Allele frequency attached by ClinVar (database versions not stated): gnomAD exomes below 0.00001 and 0.00002; gnomAD 0.00001; TOPMed 0.00001.
gnomAD v4.1: 28 of 1,614,098 alleles (0.0017%); highest among the groups gnomAD compares: Non-Finnish European, 0.0024%; no homozygotes.

Submissions (2):

Women's Health and Genetics/Laboratory Corporation of America, LabCorp
Classification: Uncertain significance. Last evaluated: 2025-05-06. Review status: criteria provided, single submitter. Criteria: LabCorp Variant Classification Summary - May 2015. Collection method: clinical testing. Allele origin: germline.
Comment: Variant summary: SYNE2 c.12512G>A (p.Ser4171Asn) results in a conservative amino acid change in the encoded protein sequence. Algorithms developed to predict the effect of missense changes on protein structure and function all suggest that this variant is likely to be tolerated. The variant allele was found at a frequency of 4e-06 in 251472 control chromosomes. The available data on variant occurrences in the general population are insufficient to allow any conclusion about variant significance. To our knowledge, no occurrence of c.12512G>A in individuals affected with Emery-Dreifuss muscular dystrophy 5, autosomal dominant and no experimental evidence demonstrating its impact on protein function have been reported. ClinVar contains an entry for this variant (Variation ID: 950648). Based on the evidence outlined above, the variant was classified as uncertain significance.

Labcorp Genetics (formerly Invitae), Labcorp
Classification: Uncertain significance for Emery-Dreifuss muscular dystrophy 5, autosomal dominant. Last evaluated: 2022-07-05. Review status: criteria provided, single submitter. Criteria: Invitae Variant Classification Sherloc (09022015). Collection method: clinical testing. Allele origin: germline.
Comment: In summary, the available evidence is currently insufficient to determine the role of this variant in disease. Therefore, it has been classified as a Variant of Uncertain Significance. Algorithms developed to predict the effect of missense changes on protein structure and function are either unavailable or do not agree on the potential impact of this missense change (SIFT: "Deleterious"; PolyPhen-2: "Probably Damaging"; Align-GVGD: "Class C0"). ClinVar contains an entry for this variant (Variation ID: 950648). This variant has not been reported in the literature in individuals affected with SYNE2-related conditions. This variant is not present in population databases (gnomAD no frequency). This sequence change replaces serine, which is neutral and polar, with asparagine, which is neutral and polar, at codon 4171 of the SYNE2 protein (p.Ser4171Asn).